The following is an entry in ClinVar:

NM_000465.4(BARD1):c.2040G>A (p.Trp680Ter)

Gene: BARD1 (BRCA1 associated RING domain 1; minus strand). Cytogenetic location: 2q35.
Variant type: single nucleotide variant.
Coding change: c.2040G>A on transcript NM_000465.4 (MANE Select); coding-DNA position 2040, G replaced by A.
Protein change: p.Trp680Ter; replaces tryptophan 680 with a stop codon.
Molecular consequence: nonsense. On other transcripts: non-coding transcript variant (3).
Genome position (GRCh38, 1-based): chr2:214,728,970, C>T on the plus strand (G>A on the coding strand, the complement: BARD1 is on the minus strand). VCF-style: chr2-214728970-C-T. GRCh37 (hg19) VCF-style: chr2-215593694-C-T.
Other names: c.1983G>A, p.Trp661Ter (NM_001282543.2); c.687G>A, p.Trp229Ter (NM_001282545.2); c.630G>A, p.Trp210Ter (NM_001282548.2); c.501G>A, p.Trp167Ter (NM_001282549.2); short protein forms W167*, W210*, W229*, W661*, W680*.
Identifiers: ClinVar variation 2583280 (VCV002583280.2), dbSNP rs2469271103, ClinGen allele CA350450745.

ClinVar aggregate classification (germline): Pathogenic (1 of 4 stars; one submission).

Conditions:
Familial cancer of breast. Also called: Hereditary breast cancer; BREAST CANCER, FAMILIAL; hereditary breast carcinoma. Identifiers: Orphanet 227535, MedGen C0346153, MONDO:0016419, OMIM 114480. Disease mechanism: loss of function.

Submission:

Myriad Genetics, Inc.
Classification: Pathogenic for Familial cancer of breast. Last evaluated: 2023-05-25. Review status: criteria provided, single submitter. Criteria: Myriad Autosomal Dominant, Autosomal Recessive and X-Linked Classification Criteria (2023). Collection method: clinical testing. Allele origin: unknown.
Comment: This variant is considered pathogenic. This variant creates a termination codon and is predicted to result in premature protein truncation.